The following is an entry in ClinVar:

NM_002755.4(MAP2K1):c.739T>C (p.Trp247Arg)

Gene: MAP2K1 (mitogen-activated protein kinase kinase 1; plus strand). Cytogenetic location: 15q22.31.
Variant type: single nucleotide variant.
Coding change: c.739T>C on transcript NM_002755.4 (MANE Select); coding-DNA position 739, T replaced by C.
Protein change: p.Trp247Arg; replaces tryptophan 247 with arginine.
Molecular consequence: missense variant.
Genome position (GRCh38, 1-based): chr15:66,485,035, T>C. VCF-style: chr15-66485035-T-C. GRCh37 (hg19) VCF-style: chr15-66777373-T-C.
Other names: short protein forms W247R.
Identifiers: ClinVar variation 1320926 (VCV001320926.2), dbSNP rs2140674116, ClinGen allele CA392936990.
Genomic context (GRCh38, chr15:66,485,035, plus strand): 5'-CTGTCTCTCCTGCAGCCAGAAAGACTCCAGGGGACTCATTACTCTGTGCAGTCAGACATC[T>C]GGAGCATGGGACTGTCTCTGGTAGAGATGGCGGTTGGGAGGTATCCCATCCCTCCTCCAG-3'
Protein context (NP_002746.1, residues 237-257): GTHYSVQSDI[Trp247Arg]SMGLSLVEMA

ClinVar aggregate classification (germline): Uncertain significance (1 of 4 stars; one submission).

Submission:

GeneDx
Classification: Uncertain significance. Last evaluated: 2020-06-23. Review status: criteria provided, single submitter. Criteria: GeneDx Variant Classification Process June 2021. Collection method: clinical testing. Allele origin: germline. Affected: yes.
Comment: Not observed in large population cohorts (Lek et al., 2016); Missense variants in this gene are often considered pathogenic (Stenson et al., 2014); In silico analysis supports that this missense variant has a deleterious effect on protein structure/function; Has not been previously published as pathogenic or benign to our knowledge